The following is an entry in ClinVar:

ClinVar aggregate classification (germline): Uncertain significance. Review status: criteria provided, multiple submitters, no conflicts (2 of 4 stars). 2 submissions from 2 submitters: Uncertain significance (2). Last evaluated 2022-04-07.

Conditions:
Hereditary cancer-predisposing syndrome. Also called: Hereditary Cancer Syndrome; Hereditary neoplastic syndrome; Neoplastic Syndromes, Hereditary; Tumor predisposition. Identifiers: Orphanet 140162, MedGen C0027672, MeSH D009386, MONDO:0015356.

Submissions (2):

Ambry Genetics
Classification: Uncertain significance for Hereditary cancer-predisposing syndrome. Last evaluated: 2022-04-07. Review status: criteria provided, single submitter. Criteria: Ambry Variant Classification Scheme 2023. Collection method: clinical testing. Allele origin: germline.
Comment: The p.T757A variant (also known as c.2269A>G), located in coding exon 20 of the POLE gene, results from an A to G substitution at nucleotide position 2269. The threonine at codon 757 is replaced by alanine, an amino acid with similar properties. This amino acid position is conserved. In addition, this alteration is predicted to be deleterious by in silico analysis. Since supporting evidence is limited at this time, the clinical significance of this alteration remains unclear.

Labcorp Genetics (formerly Invitae), Labcorp
Classification: Uncertain significance. Last evaluated: 2016-06-02. Review status: criteria provided, single submitter. Criteria: Invitae Variant Classification Sherloc (09022015). Collection method: clinical testing. Allele origin: germline.
Comment: In summary, this variant is a novel missense change with uncertain impact on protein function. It has been classified as a Variant of Uncertain Significance. Algorithms developed to predict the effect of missense changes on protein structure and function (SIFT, PolyPhen-2, Align-GVGD) all suggest that this variant is likely to be disruptive, but these predictions have not been confirmed by published functional studies. This variant is not present in population databases (ExAC no frequency) and has not been reported in the literature in individuals with a POLE-related disease. This sequence change replaces threonine with alanine at codon 757 of the POLE protein (p.Thr757Ala). The threonine residue is highly conserved and there is a small physicochemical difference between threonine and alanine.

NM_006231.4(POLE):c.2269A>G (p.Thr757Ala)

Gene: POLE (DNA polymerase epsilon, catalytic subunit; minus strand). Cytogenetic location: 12q24.33.
Variant type: single nucleotide variant.
Coding change: c.2269A>G on transcript NM_006231.4 (MANE Select); coding-DNA position 2269, A replaced by G.
Protein change: p.Thr757Ala; replaces threonine 757 with alanine.
Molecular consequence: missense variant.
Genome position (GRCh38, 1-based): chr12:132,667,553, T>C on the plus strand (A>G on the coding strand, the complement: POLE is on the minus strand). VCF-style: chr12-132667553-T-C. GRCh37 (hg19) VCF-style: chr12-133244139-T-C.
Other names: short protein forms T757A.
Identifiers: ClinVar variation 405874 (VCV000405874.11), dbSNP rs1060500880, ClinGen allele CA16613946.